The following is an entry in ClinVar:

ClinVar aggregate classification (germline): Uncertain significance (1 of 4 stars; one submission).

Submission:

Labcorp Genetics (formerly Invitae), Labcorp
Classification: Uncertain significance. Last evaluated: 2022-06-14. Review status: criteria provided, single submitter. Criteria: Invitae Variant Classification Sherloc (09022015). Collection method: clinical testing. Allele origin: germline.
Comment: This sequence change falls in intron 27 of the PDE2A gene. It does not directly change the encoded amino acid sequence of the PDE2A protein. It affects a nucleotide within the consensus splice site. This variant is not present in population databases (gnomAD no frequency). This variant has not been reported in the literature in individuals affected with PDE2A-related conditions. Variants that disrupt the consensus splice site are a relatively common cause of aberrant splicing (PMID: 17576681, 9536098). Algorithms developed to predict the effect of sequence changes on RNA splicing suggest that this variant is not likely to affect RNA splicing. In summary, the available evidence is currently insufficient to determine the role of this variant in disease. Therefore, it has been classified as a Variant of Uncertain Significance.

Literature cited by the submitters: PubMed 17576681; PubMed 9536098.

NM_002599.5(PDE2A):c.2356+6T>C

Gene: PDE2A (phosphodiesterase 2A; minus strand). Cytogenetic location: 11q13.4.
Variant type: single nucleotide variant.
Coding change: c.2356+6T>C on transcript NM_002599.5 (MANE Select); 6 bases into the intron after coding-DNA position 2356, T replaced by C.
Molecular consequence: intron variant.
Genome position (GRCh38, 1-based): chr11:72,579,278, A>G on the plus strand (T>C on the coding strand, the complement: PDE2A is on the minus strand). VCF-style: chr11-72579278-A-G. GRCh37 (hg19) VCF-style: chr11-72290322-A-G.
Other names: c.2329+6T>C (NM_001146209.3); c.2335+6T>C (NM_001143839.4); c.2293+6T>C (NM_001243784.2).
Identifiers: ClinVar variation 2103594 (VCV002103594.4), dbSNP rs367670601, ClinGen allele CA224416389.